The following is an entry in ClinVar:

NM_003000.3(SDHB):c.1A>G (p.Met1Val)

Gene: SDHB (succinate dehydrogenase complex iron sulfur subunit B; minus strand). Cytogenetic location: 1p36.13.
Variant type: single nucleotide variant.
Coding change: c.1A>G on transcript NM_003000.3 (MANE Select); coding-DNA position 1, A replaced by G.
Protein change: p.Met1Val; changes the start codon (methionine 1).
Molecular consequence: missense variant, initiator codon variant.
Genome position (GRCh38, 1-based): chr1:17,054,019, T>C on the plus strand (A>G on the coding strand, the complement: SDHB is on the minus strand). VCF-style: chr1-17054019-T-C. GRCh37 (hg19) VCF-style: chr1-17380514-T-C.
Other names: c.1A>G, p.Met1Val (NM_001407361.1); short protein forms M1V.
Identifiers: ClinVar variation 2583584 (VCV002583584.3), dbSNP rs1131691049, ClinGen allele CA338230895.

ClinVar aggregate classification (germline): Pathogenic. Review status: criteria provided, multiple submitters, no conflicts (2 of 4 stars). 2 submissions from 2 submitters: Pathogenic (2). Last evaluated 2025-05-30.

Conditions:
Pheochromocytoma/paraganglioma syndrome 4. Also called: CAROTID BODY TUMORS AND MULTIPLE EXTRAADRENAL PHEOCHROMOCYTOMAS; PARAGANGLIOMA, FAMILIAL MALIGNANT; PARAGANGLIOMAS, HEREDITARY EXTRAADRENAL; PHEOCHROMOCYTOMA, FAMILIAL EXTRAADRENAL; Paragangliomas 4; SDHB-Related Hereditary Paraganglioma-Pheochromocytoma Syndrome (Paragangliomas 4). Identifiers: Orphanet 29072, MedGen C1861848, MONDO:0007273, OMIM 115310.
Pheochromocytoma. Also called: MAX-Related Hereditary Paraganglioma-Pheochromocytoma Syndrome. Identifiers: Orphanet 29072, MedGen C0031511, MONDO:0008233, OMIM 171300, HP:0002666.
Gastrointestinal stromal tumor. Also called: Gastrointestinal stromal tumor, somatic; Gastrointestinal stroma tumor. Identifiers: Orphanet 44890, MedGen C0238198, MeSH D046152, MONDO:0011719, OMIM 606764, HP:0100723.

Allele frequency attached by ClinVar (database versions not stated): TOPMed below 0.00001.

Submissions (2):

Labcorp Genetics (formerly Invitae), Labcorp
Classification: Pathogenic for Gastrointestinal stromal tumor; Pheochromocytoma/paraganglioma syndrome 4; Pheochromocytoma. Last evaluated: 2025-05-30. Review status: criteria provided, single submitter. Criteria: Invitae Variant Classification Sherloc (09022015). Collection method: clinical testing. Allele origin: germline.
Comment: This sequence change affects the initiator codon of the SDHB mRNA. This change may impact translation initiation or efficiency. The next in-frame methionine is located at codon 58. This variant is not present in population databases (gnomAD no frequency). Disruption of the initiator codon has been observed in individuals with paragangliomas, pheochromocytomas and renal cell carcinomas (PMID: 23512077, 24096523, 27279923, 28374168; 32741965)). ClinVar contains an entry for this variant (Variation ID: 2583584). This variant disrupts a region of the SDHB protein in which other variant(s) (p.Arg46Gln) have been determined to be pathogenic (PMID: 12618761, 14500403, 15328326, 16314641, 17102082, 18362451, 23083876, 23282968). This suggests that this is a clinically significant region of the protein, and that variants that disrupt it are likely to be disease-causing. For these reasons, this variant has been classified as Pathogenic.

Myriad Genetics, Inc.
Classification: Pathogenic for Pheochromocytoma/paraganglioma syndrome 4. Last evaluated: 2023-06-22. Review status: criteria provided, single submitter. Criteria: Myriad Autosomal Dominant, Autosomal Recessive and X-Linked Classification Criteria (2023). Collection method: clinical testing. Allele origin: unknown.
Comment: This variant is considered pathogenic. This variant is located within the gene translation start codon (p.Met1?) and is predicted to result in abnormal protein translation. This variant has been reported in multiple individuals with clinical features of gene-specific disease [PMID: 28503760, 32688340, 24096523, 28374168].

Literature cited by the submitters: PubMed 23512077 (cited by Labcorp Genetics (formerly Invitae), Labcorp); PubMed 24096523 (cited by Labcorp Genetics (formerly Invitae), Labcorp and Myriad Genetics, Inc.); PubMed 27279923 (cited by Labcorp Genetics (formerly Invitae), Labcorp); PubMed 28374168 (cited by Labcorp Genetics (formerly Invitae), Labcorp and Myriad Genetics, Inc.); PubMed 32741965 (cited by Labcorp Genetics (formerly Invitae), Labcorp); PubMed 12618761 (cited by Labcorp Genetics (formerly Invitae), Labcorp); PubMed 14500403 (cited by Labcorp Genetics (formerly Invitae), Labcorp); PubMed 15328326 (cited by Labcorp Genetics (formerly Invitae), Labcorp); PubMed 16314641 (cited by Labcorp Genetics (formerly Invitae), Labcorp); PubMed 17102082 (cited by Labcorp Genetics (formerly Invitae), Labcorp); PubMed 18362451 (cited by Labcorp Genetics (formerly Invitae), Labcorp); PubMed 23083876 (cited by Labcorp Genetics (formerly Invitae), Labcorp); PubMed 23282968 (cited by Labcorp Genetics (formerly Invitae), Labcorp); PubMed 28503760 (cited by Myriad Genetics, Inc.); PubMed 32688340 (cited by Myriad Genetics, Inc.).